The following is an entry in ClinVar:

NM_002075.4(GNB3):c.734C>T (p.Ser245Leu)

Genes: CDCA3 (cell division cycle associated 3; minus strand), GNB3 (G protein subunit beta 3; plus strand). Cytogenetic location: 12p13.31.
Variant type: single nucleotide variant.
Coding change: c.734C>T on transcript NM_002075.4 (MANE Select); coding-DNA position 734, C replaced by T.
Protein change: p.Ser245Leu; replaces serine 245 with leucine.
Molecular consequence: missense variant. On other transcripts: 3 prime UTR variant (1).
Genome position (GRCh38, 1-based): chr12:6,845,620, C>T. VCF-style: chr12-6845620-C-T. GRCh37 (hg19) VCF-style: chr12-6954784-C-T.
Other names: c.731C>T, p.Ser244Leu (NM_001297571.2); c.*1168G>A (NM_001297603.3); short protein forms S245L, S244L.
Identifiers: ClinVar variation 971346 (VCV000971346.10), dbSNP rs782597916, ClinGen allele CA6417654.

ClinVar aggregate classification (germline): Uncertain significance (1 of 4 stars; one submission).

Allele frequency attached by ClinVar (database versions not stated): TOPMed 0.00005; gnomAD exomes 0.00002; gnomAD 0.00003 and 0.00004; ExAC 0.00002.
gnomAD v4.1: 29 of 1,612,952 alleles (0.0018%); highest among the groups gnomAD compares: East Asian, 0.038%; no homozygotes.

Submission:

Labcorp Genetics (formerly Invitae), Labcorp
Classification: Uncertain significance. Last evaluated: 2025-11-15. Review status: criteria provided, single submitter. Criteria: Invitae Variant Classification Sherloc (09022015). Collection method: clinical testing. Allele origin: germline.
Comment: This sequence change replaces serine, which is neutral and polar, with leucine, which is neutral and non-polar, at codon 245 of the GNB3 protein (p.Ser245Leu). This variant is present in population databases (rs782597916, gnomAD 0.04%). This variant has not been reported in the literature in individuals affected with GNB3-related conditions. ClinVar contains an entry for this variant (Variation ID: 971346). Invitae Evidence Modeling of protein sequence and biophysical properties (such as structural, functional, and spatial information, amino acid conservation, physicochemical variation, residue mobility, and thermodynamic stability) indicates that this missense variant is expected to disrupt GNB3 protein function with a positive predictive value of 80%. In summary, the available evidence is currently insufficient to determine the role of this variant in disease. Therefore, it has been classified as a Variant of Uncertain Significance.